The following is an entry in ClinVar:

ClinVar aggregate classification (germline): Conflicting classifications of pathogenicity. Review status: criteria provided, conflicting classifications (1 of 4 stars). 4 submissions from 4 submitters: Uncertain significance (3); Likely benign (1). Last evaluated 2026-09-11.

Conditions:
Renal cell carcinoma. Identifiers: Orphanet 217071, MedGen C0007134, MeSH D002292, MONDO:0005086, HP:0005584.
Hereditary cancer-predisposing syndrome. Also called: Hereditary Cancer Syndrome; Neoplastic Syndromes, Hereditary; Hereditary neoplastic syndrome; Tumor predisposition. Identifiers: Orphanet 140162, MedGen C0027672, MeSH D009386, MONDO:0015356.

Allele frequency attached by ClinVar (database versions not stated): gnomAD exomes below 0.00001.
gnomAD v4.1: 1 of 1,614,044 alleles (0.000062%); highest among the groups gnomAD compares: Non-Finnish European, 0.000085%; no homozygotes.

Submissions (4):

Ambry Genetics
Classification: Likely benign for Hereditary cancer-predisposing syndrome. Last evaluated: 2026-09-11. Review status: criteria provided, single submitter. Criteria: Ambry Variant Classification Scheme 2023. Collection method: clinical testing. Allele origin: germline.

Labcorp Genetics (formerly Invitae), Labcorp
Classification: Uncertain significance for Renal cell carcinoma. Last evaluated: 2022-12-01. Review status: criteria provided, single submitter. Criteria: Invitae Variant Classification Sherloc (09022015). Collection method: clinical testing. Allele origin: germline.
Comment: In summary, the available evidence is currently insufficient to determine the role of this variant in disease. Therefore, it has been classified as a Variant of Uncertain Significance. Advanced modeling of protein sequence and biophysical properties (such as structural, functional, and spatial information, amino acid conservation, physicochemical variation, residue mobility, and thermodynamic stability) performed at Invitae indicates that this missense variant is expected to disrupt MET protein function. ClinVar contains an entry for this variant (Variation ID: 1397620). This variant has not been reported in the literature in individuals affected with MET-related conditions. This variant is not present in population databases (gnomAD no frequency). This sequence change replaces lysine, which is basic and polar, with glutamic acid, which is acidic and polar, at codon 85 of the MET protein (p.Lys85Glu).

Mendelics
Classification: Uncertain significance. Last evaluated: 2022-05-04. Review status: criteria provided, single submitter. Criteria: Mendelics Assertion Criteria 2019. Collection method: clinical testing. Allele origin: germline.

Revvity Omics, Revvity
Classification: Uncertain significance. Last evaluated: 2019-10-16. Review status: criteria provided, single submitter. Criteria: ACMG Guidelines, 2015. Collection method: clinical testing. Allele origin: germline.

NM_000245.4(MET):c.253A>G (p.Lys85Glu)

Gene: MET (MET proto-oncogene, receptor tyrosine kinase; plus strand). Cytogenetic location: 7q31.2.
Variant type: single nucleotide variant.
Coding change: c.253A>G on transcript NM_000245.4 (MANE Select); coding-DNA position 253, A replaced by G.
Protein change: p.Lys85Glu; replaces lysine 85 with glutamic acid.
Molecular consequence: missense variant. On other transcripts: intron variant (1).
Genome position (GRCh38, 1-based): chr7:116,699,337, A>G. VCF-style: chr7-116699337-A-G. GRCh37 (hg19) VCF-style: chr7-116339391-A-G.
Other names: c.253A>G, p.Lys85Glu (NM_001127500.3, NM_001324401.3); c.-91+26760A>G (NM_001324402.2); short protein forms K85E.
Identifiers: ClinVar variation 1397620 (VCV001397620.12), dbSNP rs1791469321, ClinGen allele CA368968668.